The following is an entry in ClinVar:

ClinVar aggregate classification (germline): Conflicting classifications of pathogenicity. Review status: criteria provided, conflicting classifications (1 of 4 stars). 5 submissions from 5 submitters: Uncertain significance (4); Likely benign (1). Last evaluated 2025-10-13.

Conditions:
Birt-Hogg-Dube syndrome. Also called: Birt Hogg Dubé syndrome. Identifiers: Orphanet 122, MedGen C0346010, MONDO:0800444.
Hereditary cancer-predisposing syndrome. Also called: Neoplastic Syndromes, Hereditary; Hereditary neoplastic syndrome; Tumor predisposition; Hereditary Cancer Syndrome. Identifiers: Orphanet 140162, MedGen C0027672, MeSH D009386, MONDO:0015356.

Allele frequency attached by ClinVar (database versions not stated): TOPMed 0.00001; ESP Exome Variant Server 0.00008.
gnomAD v4.1: 22 of 1,611,868 alleles (0.0014%); highest among the groups gnomAD compares: Admixed American, 0.005%; no homozygotes.

Submissions (5):

Labcorp Genetics (formerly Invitae), Labcorp
Classification: Uncertain significance for Birt-Hogg-Dube syndrome. Last evaluated: 2025-10-13. Review status: criteria provided, single submitter. Criteria: Invitae Variant Classification Sherloc (09022015). Collection method: clinical testing. Allele origin: germline.
Comment: This sequence change replaces histidine, which is basic and polar, with asparagine, which is neutral and polar, at codon 429 of the FLCN protein (p.His429Asn). This variant is present in population databases (rs375082054, gnomAD 0.006%). This variant has not been reported in the literature in individuals affected with FLCN-related conditions. ClinVar contains an entry for this variant (Variation ID: 660582). Invitae Evidence Modeling of protein sequence and biophysical properties (such as structural, functional, and spatial information, amino acid conservation, physicochemical variation, residue mobility, and thermodynamic stability) indicates that this missense variant is not expected to disrupt FLCN protein function with a negative predictive value of 80%. In summary, the available evidence is currently insufficient to determine the role of this variant in disease. Therefore, it has been classified as a Variant of Uncertain Significance.

Center for Genomic Medicine, Rigshospitalet, Copenhagen University Hospital
Classification: Uncertain significance. Last evaluated: 2025-03-04. Review status: criteria provided, single submitter. Criteria: ACMG Guidelines, 2015. Collection method: clinical testing. Allele origin: germline.

GeneDx
Classification: Uncertain significance. Last evaluated: 2024-05-10. Review status: criteria provided, single submitter. Criteria: GeneDx Variant Classification Process June 2021. Collection method: clinical testing. Allele origin: germline. Affected: yes.
Comment: Not observed at significant frequency in large population cohorts (gnomAD); In silico analysis supports that this missense variant has a deleterious effect on protein structure/function; Has not been previously published as pathogenic or benign to our knowledge; This variant is associated with the following publications: (PMID: 17028174)

Baylor Genetics
Classification: Uncertain significance for Birt-Hogg-Dube syndrome 1. Last evaluated: 2023-10-24. Review status: criteria provided, single submitter. Criteria: ACMG Guidelines, 2015. Collection method: clinical testing. Allele origin: unknown.

Ambry Genetics
Classification: Likely benign for Hereditary cancer-predisposing syndrome. Last evaluated: 2022-11-30. Review status: criteria provided, single submitter. Criteria: Ambry Variant Classification Scheme 2023. Collection method: clinical testing. Allele origin: germline.

NM_144997.7(FLCN):c.1285C>A (p.His429Asn)

Gene: FLCN (folliculin; minus strand). Cytogenetic location: 17p11.2.
Variant type: single nucleotide variant.
Coding change: c.1285C>A on transcript NM_144997.7 (MANE Select); coding-DNA position 1285, C replaced by A.
Protein change: p.His429Asn; replaces histidine 429 with asparagine.
Molecular consequence: missense variant.
Genome position (GRCh38, 1-based): chr17:17,216,395, G>T on the plus strand (C>A on the coding strand, the complement: FLCN is on the minus strand). VCF-style: chr17-17216395-G-T. GRCh37 (hg19) VCF-style: chr17-17119709-G-T.
Other names: c.1285C>A (LRG_325t1); c.1339C>A, p.His447Asn (NM_001353229.2); c.1285C>A, p.His429Asn (NM_001353230.2, NM_001353231.2); short protein forms H447N, H429N.
Identifiers: ClinVar variation 660582 (VCV000660582.15), dbSNP rs375082054, ClinGen allele CA8416074.